The following is an entry in ClinVar:

NM_000186.4(CFH):c.2034G>T (p.Trp678Cys)

Gene: CFH (complement factor H; plus strand). Cytogenetic location: 1q31.3.
Variant type: single nucleotide variant.
Coding change: c.2034G>T on transcript NM_000186.4 (MANE Select); coding-DNA position 2034, G replaced by T.
Protein change: p.Trp678Cys; replaces tryptophan 678 with cysteine.
Molecular consequence: missense variant.
Genome position (GRCh38, 1-based): chr1:196,726,630, G>T. VCF-style: chr1-196726630-G-T. GRCh37 (hg19) VCF-style: chr1-196695760-G-T.
Other names: short protein forms W678C.
Identifiers: ClinVar variation 4291443 (VCV004291443.1).

ClinVar aggregate classification (germline): Uncertain significance (1 of 4 stars; one submission).

Conditions:
Atypical hemolytic-uremic syndrome. Identifiers: Orphanet 2134, MedGen C2931788, MONDO:0016244.

Submission:

Genomenon, Inc
Classification: Uncertain significance for Atypical hemolytic-uremic syndrome. Last evaluated: 2025-10-02. Review status: criteria provided, single submitter. Criteria: Genomenon Sequence Variant Interpretation Standards - Updated. Collection method: curation. Allele origin: germline. Affected: yes.
Comment: CFH p.Trp678Cys (c.2034G>T) is a missense variant that changes the amino acid at residue 678 from Tryptophan to Cysteine. This variant has been observed in at least one proband affected with atypical hemolytic-uremic syndrome (PMID:28821363). It is absent or not present at a significant frequency in gnomAD. In silico models agree that this variant is possibly or probably damaging. In conclusion, we classify CFH p.Trp678Cys (c.2034G>T) as a variant of uncertain significance.

Literature cited by the submitters: PubMed 28821363.